The following is an entry in ClinVar:

NM_181458.4(PAX3):c.1166C>A (p.Ser389Ter)

Genes: PAX3 (paired box 3; minus strand), LOC126806529 (CDK7 strongly-dependent group 2 enhancer GRCh37_chr2:223084735-223085934; plus strand). Cytogenetic location: 2q36.1.
Variant type: single nucleotide variant.
Coding change: c.1166C>A on transcript NM_181458.4 (MANE Select); coding-DNA position 1166, C replaced by A.
Protein change: p.Ser389Ter; replaces serine 389 with a stop codon.
Molecular consequence: nonsense.
Genome position (GRCh38, 1-based): chr2:222,220,147, G>T on the plus strand (C>A on the coding strand, the complement: PAX3 is on the minus strand). VCF-style: chr2-222220147-G-T. GRCh37 (hg19) VCF-style: chr2-223084866-G-T.
Other names: c.1166C>A, p.Ser389Ter (NM_181461.4, NM_181457.4, NM_181459.4 and 1 more transcripts); c.1163C>A, p.Ser388Ter (NM_001127366.3); short protein forms S388*, S389*.
Identifiers: ClinVar variation 5020096 (VCV005020096.1).

ClinVar aggregate classification (germline): Likely pathogenic (1 of 4 stars; one submission).

Conditions:
Waardenburg syndrome type 1 (WS1). Also called: Waardenburg Syndrome Type I; WAARDENBURG SYNDROME WITH DYSTOPIA CANTHORUM. Identifiers: Orphanet 894, MedGen C1847800, MONDO:0008670, OMIM 193500.

Submission:

Division of Genetic & Genomic Pathology, Hong Kong Children's Hospital
Classification: Likely pathogenic for Waardenburg syndrome type 1. Last evaluated: 2025-05-15. Review status: criteria provided, single submitter. Criteria: ACMG Guidelines, 2015. Collection method: clinical testing. Allele origin: germline. Affected: yes.
Comment: The PAX3 c.1166C>A p.(Ser389Ter) is a nonsense variant located in exon 7 (out of 9) of the PAX3 gene. It is predicted to generate mRNA transcripts with a premature stop codon targeted by nonsense-mediated decay. Loss-of-function variants in PAX3 are known to be pathogenic (PMID: 20301703). The variant is absent in control populations (gnomAD v4.1.0), and it has not been reported in literature at the time of reporting. For these reasons, the PAX3 c.1166C>A p.(Ser389Ter) is classified as likely pathogenic.

Literature cited by the submitters: PubMed 20301703.